The following is an entry in ClinVar:

NM_000565.4(IL6R):c.1067-17T>A

Gene: IL6R (interleukin 6 receptor; plus strand). Cytogenetic location: 1q21.3.
Variant type: single nucleotide variant.
Coding change: c.1067-17T>A on transcript NM_000565.4 (MANE Select); 17 bases into the intron before coding-DNA position 1067, T replaced by A.
Molecular consequence: intron variant.
Genome position (GRCh38, 1-based): chr1:154,454,471, T>A. VCF-style: chr1-154454471-T-A. GRCh37 (hg19) VCF-style: chr1-154426947-T-A.
Other names: c.1115-17T>A (NM_001382771.1); c.1114+4491T>A (NM_001382773.1); c.1160-17T>A (NM_001382770.1); c.1166-17T>A (NM_001382769.1); c.1066+4491T>A (NM_181359.3); c.1061-17T>A (NM_001382772.1); c.707-17T>A (NM_001382774.1).
Identifiers: ClinVar variation 1165317 (VCV001165317.14), dbSNP rs4845374, ClinGen allele CA1129265.

ClinVar aggregate classification (germline): Benign. Review status: criteria provided, multiple submitters, no conflicts (2 of 4 stars). 4 submissions from 4 submitters: Benign (4). Last evaluated 2026-02-04.

Allele frequency attached by ClinVar (database versions not stated): ESP Exome Variant Server 0.17515; 1000 Genomes Project 0.17772; TOPMed 0.17951; 1000 Genomes Project 30x 0.17989; gnomAD 0.18145 and 0.18374; gnomAD exomes 0.18815 and 0.18908; ExAC 0.25501.
gnomAD v4.1: 242,477 of 1,294,146 alleles (19%); highest among the groups gnomAD compares: African/African-American, 26%; 19,147 homozygotes.

Submissions (33):

Labcorp Genetics (formerly Invitae), Labcorp
Classification: Benign. Last evaluated: 2026-02-04. Review status: criteria provided, single submitter. Criteria: Invitae Variant Classification Sherloc (09022015). Collection method: clinical testing. Allele origin: germline.

Women's Health and Genetics/Laboratory Corporation of America, LabCorp
Classification: Benign. Last evaluated: 2026-01-21. Review status: criteria provided, single submitter. Criteria: LabCorp Variant Classification Summary - May 2015. Collection method: clinical testing. Allele origin: germline.

Unidad de Genómica Garrahan, Hospital de Pediatría Garrahan
Classification: Benign. Last evaluated: 2024-01-24. Review status: criteria provided, single submitter. Criteria: ACMG Guidelines, 2015. Collection method: clinical testing. Allele origin: germline. Affected: no. Observed: 18 variant alleles.
Comment: This variant is classified as Benign based on local population frequency. This variant was detected in 20% of patients studied by a panel of primary immunodeficiencies. Number of patients: 18. Only high quality variants are reported.

Breakthrough Genomics
Classification: Benign. Review status: criteria provided, single submitter. Criteria: ACMG Guidelines, 2015. Collection method: not provided. Allele origin: germline. Inheritance: Autosomal recessive inheritance. Affected: yes.

Dr. Peter K. Rogan Lab, Western University
No classification provided (evidence only). Condition: Hepatocellular carcinoma. Review status: no classification provided. Collection method: in vitro. Allele origin: not applicable. Functional consequence: retained intron. Not counted in ClinVar's aggregate classification.

Dr. Peter K. Rogan Lab, Western University
No classification provided (evidence only). Condition: Hepatocellular carcinoma. Review status: no classification provided. Collection method: in vitro. Allele origin: not applicable. Functional consequence: retained intron. Not counted in ClinVar's aggregate classification.

Dr. Peter K. Rogan Lab, Western University
No classification provided (evidence only). Condition: Hepatocellular carcinoma. Review status: no classification provided. Collection method: in vitro. Allele origin: not applicable. Functional consequence: retained intron. Not counted in ClinVar's aggregate classification.

Dr. Peter K. Rogan Lab, Western University
No classification provided (evidence only). Condition: Ovarian cancer. Review status: no classification provided. Collection method: in vitro. Allele origin: not applicable. Functional consequence: skipped exon, retained intron. Not counted in ClinVar's aggregate classification.

Dr. Peter K. Rogan Lab, Western University
No classification provided (evidence only). Condition: Ovarian cancer. Review status: no classification provided. Collection method: in vitro. Allele origin: not applicable. Functional consequence: retained intron. Not counted in ClinVar's aggregate classification.

Dr. Peter K. Rogan Lab, Western University
No classification provided (evidence only). Condition: Ovarian cancer. Review status: no classification provided. Collection method: in vitro. Allele origin: not applicable. Functional consequence: retained intron. Not counted in ClinVar's aggregate classification.

Dr. Peter K. Rogan Lab, Western University
No classification provided (evidence only). Condition: Ovarian cancer. Review status: no classification provided. Collection method: in vitro. Allele origin: not applicable. Functional consequence: retained intron. Not counted in ClinVar's aggregate classification.

Dr. Peter K. Rogan Lab, Western University
No classification provided (evidence only). Condition: Ovarian cancer. Review status: no classification provided. Collection method: in vitro. Allele origin: not applicable. Functional consequence: retained intron. Not counted in ClinVar's aggregate classification.

Dr. Peter K. Rogan Lab, Western University
No classification provided (evidence only). Condition: Ovarian cancer. Review status: no classification provided. Collection method: in vitro. Allele origin: not applicable. Functional consequence: retained intron. Not counted in ClinVar's aggregate classification.

Dr. Peter K. Rogan Lab, Western University
No classification provided (evidence only). Condition: Ovarian cancer. Review status: no classification provided. Collection method: in vitro. Allele origin: not applicable. Functional consequence: retained intron. Not counted in ClinVar's aggregate classification.

Dr. Peter K. Rogan Lab, Western University
No classification provided (evidence only). Condition: Ovarian cancer. Review status: no classification provided. Collection method: in vitro. Allele origin: not applicable. Functional consequence: retained intron. Not counted in ClinVar's aggregate classification.

Dr. Peter K. Rogan Lab, Western University
No classification provided (evidence only). Condition: Ovarian cancer. Review status: no classification provided. Collection method: in vitro. Allele origin: not applicable. Functional consequence: retained intron. Not counted in ClinVar's aggregate classification.

Dr. Peter K. Rogan Lab, Western University
No classification provided (evidence only). Condition: Malignant lymphoma, large B-cell, diffuse. Review status: no classification provided. Collection method: in vitro. Allele origin: not applicable. Functional consequence: skipped exon, retained intron. Not counted in ClinVar's aggregate classification.

Dr. Peter K. Rogan Lab, Western University
No classification provided (evidence only). Condition: Malignant lymphoma, large B-cell, diffuse. Review status: no classification provided. Collection method: in vitro. Allele origin: not applicable. Functional consequence: retained intron. Not counted in ClinVar's aggregate classification.

Dr. Peter K. Rogan Lab, Western University
No classification provided (evidence only). Condition: Hepatocellular carcinoma. Review status: no classification provided. Collection method: in vitro. Allele origin: not applicable. Functional consequence: retained intron. Not counted in ClinVar's aggregate classification.

Dr. Peter K. Rogan Lab, Western University
No classification provided (evidence only). Condition: Hepatocellular carcinoma. Review status: no classification provided. Collection method: in vitro. Allele origin: not applicable. Functional consequence: retained intron. Not counted in ClinVar's aggregate classification.

Dr. Peter K. Rogan Lab, Western University
No classification provided (evidence only). Condition: Nonpapillary renal cell carcinoma. Review status: no classification provided. Collection method: in vitro. Allele origin: not applicable. Functional consequence: retained intron. Not counted in ClinVar's aggregate classification.

Dr. Peter K. Rogan Lab, Western University
No classification provided (evidence only). Condition: Nonpapillary renal cell carcinoma. Review status: no classification provided. Collection method: in vitro. Allele origin: not applicable. Functional consequence: skipped exon, retained intron. Not counted in ClinVar's aggregate classification.

Dr. Peter K. Rogan Lab, Western University
No classification provided (evidence only). Condition: Nonpapillary renal cell carcinoma. Review status: no classification provided. Collection method: in vitro. Allele origin: not applicable. Functional consequence: skipped exon, retained intron. Not counted in ClinVar's aggregate classification.

Dr. Peter K. Rogan Lab, Western University
No classification provided (evidence only). Condition: Nonpapillary renal cell carcinoma. Review status: no classification provided. Collection method: in vitro. Allele origin: not applicable. Functional consequence: retained intron. Not counted in ClinVar's aggregate classification.

Dr. Peter K. Rogan Lab, Western University
No classification provided (evidence only). Condition: Nonpapillary renal cell carcinoma. Review status: no classification provided. Collection method: in vitro. Allele origin: not applicable. Functional consequence: retained intron. Not counted in ClinVar's aggregate classification.

Dr. Peter K. Rogan Lab, Western University
No classification provided (evidence only). Condition: Nonpapillary renal cell carcinoma. Review status: no classification provided. Collection method: in vitro. Allele origin: not applicable. Functional consequence: retained intron. Not counted in ClinVar's aggregate classification.

Dr. Peter K. Rogan Lab, Western University
No classification provided (evidence only). Condition: Nonpapillary renal cell carcinoma. Review status: no classification provided. Collection method: in vitro. Allele origin: not applicable. Functional consequence: retained intron. Not counted in ClinVar's aggregate classification.

Dr. Peter K. Rogan Lab, Western University
No classification provided (evidence only). Condition: Nonpapillary renal cell carcinoma. Review status: no classification provided. Collection method: in vitro. Allele origin: not applicable. Functional consequence: retained intron. Not counted in ClinVar's aggregate classification.

Dr. Peter K. Rogan Lab, Western University
No classification provided (evidence only). Condition: Hepatocellular carcinoma. Review status: no classification provided. Collection method: in vitro. Allele origin: not applicable. Functional consequence: retained intron. Not counted in ClinVar's aggregate classification.

Dr. Peter K. Rogan Lab, Western University
No classification provided (evidence only). Condition: Hepatocellular carcinoma. Review status: no classification provided. Collection method: in vitro. Allele origin: not applicable. Functional consequence: retained intron. Not counted in ClinVar's aggregate classification.

Dr. Peter K. Rogan Lab, Western University
No classification provided (evidence only). Condition: Hepatocellular carcinoma. Review status: no classification provided. Collection method: in vitro. Allele origin: not applicable. Functional consequence: retained intron. Not counted in ClinVar's aggregate classification.

Dr. Peter K. Rogan Lab, Western University
No classification provided (evidence only). Condition: Hepatocellular carcinoma. Review status: no classification provided. Collection method: in vitro. Allele origin: not applicable. Functional consequence: retained intron. Not counted in ClinVar's aggregate classification.

Dr. Peter K. Rogan Lab, Western University
No classification provided (evidence only). Condition: Hepatocellular carcinoma. Review status: no classification provided. Collection method: in vitro. Allele origin: not applicable. Functional consequence: retained intron. Not counted in ClinVar's aggregate classification.